The following is an entry in ClinVar:

ClinVar aggregate classification (germline): Likely benign. Review status: criteria provided, multiple submitters, no conflicts (2 of 4 stars). 3 submissions from 3 submitters: Likely benign (3). Last evaluated 2026-03-27.

Conditions:
PROM1-related disorder. Also called: PROM1-related condition; PROM1-related disorders.

Allele frequency attached by ClinVar (database versions not stated): gnomAD exomes 0.00001; ExAC 0.00002; gnomAD 0.00003; TOPMed 0.00003.
gnomAD v4.1: 16 of 1,612,548 alleles (0.00099%); highest among the groups gnomAD compares: Middle Eastern, 0.016%; no homozygotes.

Submissions (3):

PreventionGenetics, part of Exact Sciences
Classification: Likely benign for PROM1-related condition. Last evaluated: 2026-03-27. Review status: criteria provided, single submitter. Criteria: ACMG Guidelines, 2015. Collection method: clinical testing. Allele origin: germline.
Comment: This variant is classified as likely benign based on ACMG/AMP sequence variant interpretation guidelines (Richards et al. 2015 PMID: 25741868, with internal and published modifications).

Labcorp Genetics (formerly Invitae), Labcorp
Classification: Likely benign. Last evaluated: 2025-07-07. Review status: criteria provided, single submitter. Criteria: Invitae Variant Classification Sherloc (09022015). Collection method: clinical testing. Allele origin: germline.

Blueprint Genetics
Classification: Likely benign. Last evaluated: 2022-08-22. Review status: criteria provided, single submitter. Criteria: ACMG Guidelines, 2015. Collection method: clinical testing. Allele origin: germline.

NM_006017.3(PROM1):c.204G>A (p.Pro68=)

Gene: PROM1 (prominin 1; minus strand). Cytogenetic location: 4p15.32.
Variant type: single nucleotide variant.
Coding change: c.204G>A on transcript NM_006017.3 (MANE Select); coding-DNA position 204, G replaced by A.
Protein change: p.Pro68=; no amino-acid change (proline 68 retained).
Molecular consequence: synonymous variant.
Genome position (GRCh38, 1-based): chr4:16,075,703, C>T on the plus strand (G>A on the coding strand, the complement: PROM1 is on the minus strand). VCF-style: chr4-16075703-C-T. GRCh37 (hg19) VCF-style: chr4-16077326-C-T.
Other names: c.204G>A (NM_006017.2); c.204G>A, p.Pro68= (NM_001145847.2, NM_001145848.2, NM_001145849.2 and 6 more transcripts).
Identifiers: ClinVar variation 1958834 (VCV001958834.7), dbSNP rs775249686, ClinGen allele CA2867170.